The following is an entry in ClinVar:

ClinVar aggregate classification (germline): Benign. Review status: criteria provided, multiple submitters, no conflicts (2 of 4 stars). 2 submissions from 2 submitters: Benign (2). Last evaluated 2015-04-26.

Allele frequency attached by ClinVar (database versions not stated): TOPMed 0.02598; gnomAD exomes 0.00331; gnomAD 0.02370; 1000 Genomes Project 0.02376; 1000 Genomes Project 30x 0.02514.
gnomAD v4.1: 3,624 of 152,636 alleles (2.4%); highest among the groups gnomAD compares: African/African-American, 7.1%; 110 homozygotes.

Submissions (2):

GeneDx
Classification: Benign. Last evaluated: 2015-04-26. Review status: criteria provided, single submitter. Criteria: GeneDx Variant Classification (06012015). Collection method: clinical testing. Allele origin: germline. Affected: yes.
Comment: This variant is considered likely benign or benign based on one or more of the following criteria: it is a conservative change, it occurs at a poorly conserved position in the protein, it is predicted to be benign by multiple in silico algorithms, and/or has population frequency not consistent with disease.

Breakthrough Genomics
Classification: Benign. Review status: criteria provided, single submitter. Criteria: ACMG Guidelines, 2015. Collection method: not provided. Allele origin: germline. Inheritance: Autosomal recessive inheritance. Affected: yes.

NM_006070.5(TFG):c.-323G>T

Gene: TFG (trafficking from ER to golgi regulator; plus strand). Cytogenetic location: 3q12.2.
Variant type: single nucleotide variant.
Coding change: c.-323G>T on transcript NM_006070.5; 323 bases upstream of the start codon, G replaced by T.
Molecular consequence: intron variant (on NM_001007565.2).
Genome position (GRCh38, 1-based): chr3:100,709,442, G>T. VCF-style: chr3-100709442-G-T. GRCh37 (hg19) VCF-style: chr3-100428286-G-T.
Other names: c.-44+11G>T (NM_001007565.2).
Identifiers: ClinVar variation 378883 (VCV000378883.4), dbSNP rs72919417, ClinGen allele CA16604410.
Genomic context (GRCh38, chr3:100,709,442, plus strand): 5'-GCCGGGACCCAGCCAGCCCTGCGCCTCGCGCCGTCGCGCATGCGTCCTGGGTATGTCCAC[G>T]CGCAATAAGGAGGGGCGAAAGGACATTTTTTTTTTTCTTGCTCCCGCCTCTGTTCTTCCC-3'